The following is an entry in ClinVar:

ClinVar aggregate classification (germline): Uncertain significance (1 of 4 stars; one submission).

Conditions:
NR0B2-related disorder. Also called: NR0B2-related condition.

gnomAD v4.1: 1 of 1,614,128 alleles (0.000062%); highest among the groups gnomAD compares: Non-Finnish European, 0.000085%; no homozygotes.

Submission:

PreventionGenetics, part of Exact Sciences
Classification: Uncertain significance for NR0B2-related condition. Last evaluated: 2026-08-28. Review status: criteria provided, single submitter. Criteria: ACMG Guidelines, 2015. Collection method: clinical testing. Allele origin: germline.
Comment: The NR0B2 c.511G>A variant is predicted to result in the amino acid substitution p.Gly171Arg. To our knowledge, this variant has not been reported in the literature or in a large population database (gnomAD), indicating this variant is rare. At this time, the clinical significance of this variant is uncertain due to the absence of conclusive functional and genetic evidence.

NM_021969.3(NR0B2):c.511G>A (p.Gly171Arg)

Genes: NR0B2 (nuclear receptor subfamily 0 group B member 2; minus strand), NUDC (nuclear distribution C, dynein complex regulator; plus strand). Cytogenetic location: 1p36.11.
Variant type: single nucleotide variant.
Coding change: c.511G>A on transcript NM_021969.3 (MANE Select); coding-DNA position 511, G replaced by A.
Protein change: p.Gly171Arg; replaces glycine 171 with arginine.
Molecular consequence: missense variant.
Genome position (GRCh38, 1-based): chr1:26,913,430, C>T on the plus strand (G>A on the coding strand, the complement: NR0B2 is on the minus strand). VCF-style: chr1-26913430-C-T. GRCh37 (hg19) VCF-style: chr1-27239921-C-T.
Other names: short protein forms G171R.
Identifiers: ClinVar variation 4995915 (VCV004995915.1).